The following is an entry in ClinVar:

ClinVar aggregate classification (germline): Uncertain significance (1 of 4 stars; one submission).

Conditions:
Hereditary cancer-predisposing syndrome. Also called: Hereditary neoplastic syndrome; Neoplastic Syndromes, Hereditary; Tumor predisposition; Hereditary Cancer Syndrome. Identifiers: Orphanet 140162, MedGen C0027672, MeSH D009386, MONDO:0015356.

Submission:

Ambry Genetics
Classification: Uncertain significance for Hereditary cancer-predisposing syndrome. Last evaluated: 2025-08-27. Review status: criteria provided, single submitter. Criteria: Ambry Variant Classification Scheme 2023. Collection method: clinical testing. Allele origin: germline.
Comment: The p.Q29K variant (also known as c.85C>A), located in coding exon 2 of the MUTYH gene, results from a C to A substitution at nucleotide position 85. The glutamine at codon 29 is replaced by lysine, an amino acid with similar properties. This amino acid position is conserved. In addition, this alteration is predicted to be tolerated by in silico analysis. Based on the available evidence, the clinical significance of this variant remains unclear.

NM_001048174.2(MUTYH):c.43C>A (p.Gln15Lys)

Gene: MUTYH (mutY DNA glycosylase; minus strand). Cytogenetic location: 1p34.1.
Variant type: single nucleotide variant.
Coding change: c.43C>A on transcript NM_001048174.2 (MANE Select); coding-DNA position 43, C replaced by A.
Protein change: p.Gln15Lys; replaces glutamine 15 with lysine.
Molecular consequence: missense variant. On other transcripts: 5 prime UTR variant (7), non-coding transcript variant (7).
Genome position (GRCh38, 1-based): chr1:45,334,463, G>T on the plus strand (C>A on the coding strand, the complement: MUTYH is on the minus strand). VCF-style: chr1-45334463-G-T. GRCh37 (hg19) VCF-style: chr1-45800135-G-T.
Other names: c.43C>A, p.Gln15Lys (NM_001048171.2, NM_001048172.2, NM_001048173.2 and 15 more transcripts); c.85C>A, p.Gln29Lys (NM_001128425.2, NM_001293190.2, NM_001407069.1 and 2 more transcripts); c.-170C>A (NM_001293192.2, NM_001293196.2, NM_001407091.1); c.-229C>A (NM_001350650.2); c.-165C>A (NM_001350651.2, NM_001407082.1); c.-114C>A (NM_001407075.1); c.61C>A, p.Gln21Lys (NM_001407087.1); short protein forms Q15K, Q29K, Q21K.
Identifiers: ClinVar variation 4113866 (VCV004113866.1).